The following is an entry in ClinVar:

ClinVar aggregate classification (germline): Uncertain significance (1 of 4 stars; one submission).

Conditions:
Hereditary cancer-predisposing syndrome. Also called: Hereditary Cancer Syndrome; Neoplastic Syndromes, Hereditary; Tumor predisposition; Hereditary neoplastic syndrome. Identifiers: Orphanet 140162, MedGen C0027672, MeSH D009386, MONDO:0015356.

Submission:

Ambry Genetics
Classification: Uncertain significance for Hereditary cancer-predisposing syndrome. Last evaluated: 2026-07-06. Review status: criteria provided, single submitter. Criteria: Ambry Variant Classification Scheme 2023. Collection method: clinical testing. Allele origin: germline.
Comment: The p.S1282A variant (also known as c.3844T>G), located in coding exon 20 of the DICER1 gene, results from a T to G substitution at nucleotide position 3844. The serine at codon 1282 is replaced by alanine, an amino acid with similar properties. This amino acid position is conserved. In addition, this alteration is predicted to be tolerated by in silico analysis. Based on the available evidence, the clinical significance of this variant remains unclear.

NM_177438.3(DICER1):c.3844T>G (p.Ser1282Ala)

Gene: DICER1 (dicer 1, ribonuclease III; minus strand). Cytogenetic location: 14q32.13.
Variant type: single nucleotide variant.
Coding change: c.3844T>G on transcript NM_177438.3 (MANE Select); coding-DNA position 3844, T replaced by G.
Protein change: p.Ser1282Ala; replaces serine 1282 with alanine.
Molecular consequence: missense variant. On other transcripts: non-coding transcript variant (6).
Genome position (GRCh38, 1-based): chr14:95,103,552, A>C on the plus strand (T>G on the coding strand, the complement: DICER1 is on the minus strand). VCF-style: chr14-95103552-A-C. GRCh37 (hg19) VCF-style: chr14-95569889-A-C.
Other names: c.3844T>G, p.Ser1282Ala (NM_001195573.1, NM_001271282.3, NM_001291628.2 and 12 more transcripts); c.3562T>G, p.Ser1188Ala (NM_001395686.1); c.3439T>G, p.Ser1147Ala (NM_001395687.1, NM_001395688.1, NM_001395689.1 and 2 more transcripts); c.3277T>G, p.Ser1093Ala (NM_001395691.1); c.2161T>G, p.Ser721Ala (NM_001395697.1); short protein forms S1147A, S721A, S1093A, S1282A, S1188A.
Identifiers: ClinVar variation 5035258 (VCV005035258.1).